The following is an entry in ClinVar:

NM_001792.5(CDH2):c.1846C>A (p.Pro616Thr)

Gene: CDH2 (cadherin 2; minus strand). Cytogenetic location: 18q12.1.
Variant type: single nucleotide variant.
Coding change: c.1846C>A on transcript NM_001792.5 (MANE Select); coding-DNA position 1846, C replaced by A.
Protein change: p.Pro616Thr; replaces proline 616 with threonine.
Molecular consequence: missense variant.
Genome position (GRCh38, 1-based): chr18:27,985,657, G>T on the plus strand (C>A on the coding strand, the complement: CDH2 is on the minus strand). VCF-style: chr18-27985657-G-T. GRCh37 (hg19) VCF-style: chr18-25565621-G-T.
Other names: c.1753C>A, p.Pro585Thr (NM_001308176.2); short protein forms P616T, P585T.
Identifiers: ClinVar variation 1359346 (VCV001359346.6), dbSNP rs781477117, ClinGen allele CA8923288.

ClinVar aggregate classification (germline): Uncertain significance (1 of 4 stars; one submission).

Allele frequency attached by ClinVar (database versions not stated): TOPMed below 0.00001; ExAC 0.00001; gnomAD exomes 0.00001.
gnomAD v4.1: 16 of 1,613,882 alleles (0.00099%); highest among the groups gnomAD compares: South Asian, 0.015%; 1 homozygote.

Submission:

Labcorp Genetics (formerly Invitae), Labcorp
Classification: Uncertain significance. Last evaluated: 2022-10-13. Review status: criteria provided, single submitter. Criteria: Invitae Variant Classification Sherloc (09022015). Collection method: clinical testing. Allele origin: germline.
Comment: In summary, the available evidence is currently insufficient to determine the role of this variant in disease. Therefore, it has been classified as a Variant of Uncertain Significance. Algorithms developed to predict the effect of missense changes on protein structure and function (SIFT, PolyPhen-2, Align-GVGD) all suggest that this variant is likely to be tolerated. ClinVar contains an entry for this variant (Variation ID: 1359346). This variant has not been reported in the literature in individuals affected with CDH2-related conditions. This variant is present in population databases (rs781477117, gnomAD 0.01%). This sequence change replaces proline, which is neutral and non-polar, with threonine, which is neutral and polar, at codon 616 of the CDH2 protein (p.Pro616Thr).